The following is an entry in ClinVar:

NM_020921.4(NIN):c.3090A>T (p.Ser1030=)

Gene: NIN (ninein; minus strand). Cytogenetic location: 14q22.1.
Variant type: single nucleotide variant.
Coding change: c.3090A>T on transcript NM_020921.4 (MANE Select); coding-DNA position 3090, A replaced by T.
Protein change: p.Ser1030=; no amino-acid change (serine 1030 retained).
Molecular consequence: synonymous variant. On other transcripts: intron variant (1).
Genome position (GRCh38, 1-based): chr14:50,757,940, T>A on the plus strand (A>T on the coding strand, the complement: NIN is on the minus strand). VCF-style: chr14-50757940-T-A. GRCh37 (hg19) VCF-style: chr14-51224658-T-A.
Other names: c.3090A>T, p.Ser1030= (NM_182944.3, NM_182946.2); c.2399+1917A>T (NM_016350.5).
Identifiers: ClinVar variation 129786 (VCV000129786.17), dbSNP rs2073348, ClinGen allele CA154087.

ClinVar aggregate classification (germline): Benign. Review status: criteria provided, multiple submitters, no conflicts (2 of 4 stars). 4 submissions from 4 submitters: Benign (3). 1 of the submissions does not count toward it. Last evaluated 2026-02-04.

Allele frequency attached by ClinVar (database versions not stated): gnomAD exomes 0.31342 and 0.33645; 1000 Genomes Project 30x 0.31605; TOPMed 0.29903; 1000 Genomes Project 0.32089; ExAC 0.32483; gnomAD 0.29173 and 0.28854; ESP Exome Variant Server 0.27510.
gnomAD v4.1: 502,618 of 1,613,906 alleles (31%); highest among the groups gnomAD compares: East Asian, 50%; 81,016 homozygotes.

Submissions (4):

Labcorp Genetics (formerly Invitae), Labcorp
Classification: Benign. Last evaluated: 2026-02-04. Review status: criteria provided, single submitter. Criteria: Invitae Variant Classification Sherloc (09022015). Collection method: clinical testing. Allele origin: germline.

GeneDx
Classification: Benign. Last evaluated: 2018-11-12. Review status: criteria provided, single submitter. Criteria: GeneDx Variant Classification Process June 2021. Collection method: clinical testing. Allele origin: germline. Affected: yes.

Breakthrough Genomics
Classification: Benign. Review status: criteria provided, single submitter. Criteria: ACMG Guidelines, 2015. Collection method: not provided. Allele origin: germline. Inheritance: Autosomal recessive inheritance. Affected: yes.

Genetic Services Laboratory, University of Chicago
Classification: Likely benign for AllHighlyPenetrant. Review status: no assertion criteria provided. Collection method: clinical testing. Allele origin: germline. Inheritance: Autosomal recessive inheritance. Not counted in ClinVar's aggregate classification.
Comment: Likely benign based on allele frequency in 1000 Genomes Project or ESP global frequency and its presence in a patient with a rare or unrelated disease phenotype. NOT Sanger confirmed.